The following is an entry in ClinVar:

NM_005422.4(TECTA):c.2578T>A (p.Phe860Ile)

Genes: TBCEL-TECTA (TBCEL-TECTA readthrough; plus strand), TECTA (tectorin alpha; plus strand), LOC126861365 (P300/CBP strongly-dependent group 1 enhancer GRCh37_chr11:121000154-121001353; plus strand). Cytogenetic location: 11q23.3.
Variant type: single nucleotide variant.
Coding change: c.2578T>A on transcript NM_005422.4 (MANE Select); coding-DNA position 2578, T replaced by A.
Protein change: p.Phe860Ile; replaces phenylalanine 860 with isoleucine.
Molecular consequence: missense variant.
Genome position (GRCh38, 1-based): chr11:121,129,848, T>A. VCF-style: chr11-121129848-T-A. GRCh37 (hg19) VCF-style: chr11-121000557-T-A.
Other names: c.3535T>A, p.Phe1179Ile (NM_001378761.1); short protein forms F1179I, F860I.
Identifiers: ClinVar variation 1310436 (VCV001310436.9), dbSNP rs2135084506, ClinGen allele CA383016428.
Genomic context (GRCh38, chr11:121,129,848, plus strand): 5'-ACATACTTCAATTGCACAGGGGGCTTGTGCGGCTTCTACAATGCCAACGCCAGTGACGAG[T>A]TCTGTCTCCCCAACGGCAAGTGCACGGACAACCTGGCAGTGTTCCTGGAAAGCTGGACAA-3'
Protein context (NP_005413.2, residues 850-870): GFYNANASDE[Phe860Ile]CLPNGKCTDN

ClinVar aggregate classification (germline): Uncertain significance. Review status: criteria provided, multiple submitters, no conflicts (2 of 4 stars). 2 submissions from 2 submitters: Uncertain significance (2). Last evaluated 2022-06-13.

Submissions (2):

Labcorp Genetics (formerly Invitae), Labcorp
Classification: Uncertain significance. Last evaluated: 2022-06-13. Review status: criteria provided, single submitter. Criteria: Invitae Variant Classification Sherloc (09022015). Collection method: clinical testing. Allele origin: germline.
Comment: This sequence change replaces phenylalanine, which is neutral and non-polar, with isoleucine, which is neutral and non-polar, at codon 860 of the TECTA protein (p.Phe860Ile). This variant is not present in population databases (gnomAD no frequency). In summary, the available evidence is currently insufficient to determine the role of this variant in disease. Therefore, it has been classified as a Variant of Uncertain Significance. Algorithms developed to predict the effect of missense changes on protein structure and function (SIFT, PolyPhen-2, Align-GVGD) all suggest that this variant is likely to be tolerated. ClinVar contains an entry for this variant (Variation ID: 1310436). This variant has not been reported in the literature in individuals affected with TECTA-related conditions.

GeneDx
Classification: Uncertain significance. Last evaluated: 2021-05-18. Review status: criteria provided, single submitter. Criteria: GeneDx Variant Classification Process June 2021. Collection method: clinical testing. Allele origin: germline. Affected: yes.
Comment: Not observed in large population cohorts (Lek et al., 2016); In silico analysis, which includes protein predictors and evolutionary conservation, supports a deleterious effect; Has not been previously published as pathogenic or benign to our knowledge